The following is an entry in ClinVar:

ClinVar aggregate classification (germline): Pathogenic. Review status: reviewed by expert panel (3 of 4 stars). 6 submissions from 6 submitters: Pathogenic (1). 5 of the submissions do not count toward it. Last evaluated 2016-10-18.

Conditions:
Breast-ovarian cancer, familial, susceptibility to, 2 (BROVCA2). Also called: BRCA2 Hereditary Breast and Ovarian Cancer. Identifiers: Orphanet 145, MedGen C2675520, MONDO:0012933, OMIM 612555. Disease mechanism: loss of function.
Hereditary breast ovarian cancer syndrome. Also called: Hereditary breast and ovarian cancer syndrome; Hereditary breast and ovarian cancer; Hereditary breast and ovarian cancer syndrome (HBOC); Breast and ovarian cancer; Hereditary breast and/or ovarian cancer syndrome; BRCA1- and BRCA2-Associated Hereditary Breast and Ovarian Cancer. Identifiers: Orphanet 145, MedGen C0677776, MeSH D061325, MONDO:0003582. Disease mechanism: loss of function.
Breast-ovarian cancer, familial, susceptibility to, 1 (BROVCA1). Also called: OVARIAN CANCER, SUSCEPTIBILITY TO; BRCA1 Hereditary Breast and Ovarian Cancer. Identifiers: Orphanet 145, MedGen C2676676, MONDO:0011450, OMIM 604370. Disease mechanism: loss of function.

Submissions (6):

Evidence-based Network for the Interpretation of Germline Mutant Alleles (ENIGMA)
Classification: Pathogenic for Breast-ovarian cancer, familial, susceptibility to, 2. Last evaluated: 2016-10-18. Review status: reviewed by expert panel. Criteria: ENIGMA BRCA1/2 Classification Criteria (2015). Collection method: curation. Allele origin: germline.
Comment: Variant allele predicted to encode a truncated non-functional protein.

GeneDx
Classification: Pathogenic. Last evaluated: 2022-03-18. Review status: criteria provided, single submitter. Criteria: GeneDx Variant Classification Process June 2021. Collection method: clinical testing. Allele origin: germline. Affected: yes. Not counted in ClinVar's aggregate classification.
Comment: Nonsense variant predicted to result in protein truncation or nonsense mediated decay in a gene for which loss-of-function is a known mechanism of disease; Not observed at significant frequency in large population cohorts (gnomAD); Truncating variants in this gene are considered pathogenic by a well-established clinical consortium and/or database; Observed in individuals with personal and/or family history consistent with pathogenic variants in this gene in published literature (Lubinski 2004, Gao 2020); Also known as 2060C>G; This variant is associated with the following publications: (PMID: 24156927, 29446198, 31825140, 15131399)

Department of Molecular Diagnostics, Institute of Oncology Ljubljana
Classification: Pathogenic for Breast-ovarian cancer, familial, susceptibility to, 1. Last evaluated: 2020-04-02. Review status: criteria provided, single submitter. Criteria: ACMG Guidelines, 2015. Collection method: clinical testing. Allele origin: germline. Affected: yes. Not counted in ClinVar's aggregate classification.

Consortium of Investigators of Modifiers of BRCA1/2 (CIMBA), c/o University of Cambridge
Classification: Pathogenic for Breast-ovarian cancer, familial, susceptibility to, 2. Last evaluated: 2015-10-02. Review status: criteria provided, single submitter. Criteria: CIMBA Mutation Classification guidelines May 2016. Collection method: clinical testing. Allele origin: germline. Not counted in ClinVar's aggregate classification.

Laboratory for Molecular Medicine, Mass General Brigham Personalized Medicine
Classification: Pathogenic for Hereditary breast ovarian cancer syndrome. Last evaluated: 2015-07-14. Review status: criteria provided, single submitter. Criteria: LMM Criteria. Collection method: clinical testing. Allele origin: germline. Inheritance: Autosomal dominant inheritance. Observed: 1 variant allele. Not counted in ClinVar's aggregate classification.
Comment: The p.Ser611X variant in BRCA2 has been previously reported in 1 individual with unspecified cancer and in 1 individual with breast cancer and was found to segr egated with disease in 1 affected relative (Lubinski 2004, Tea 2014). It has not been identified in large population studies. This nonsense variant leads to a p remature termination codon at position 611, which is predicted to lead to a trun cated or absent protein. Heterozygous loss of BRCA2 function is an established d isease mechanism in BRCA2-associated cancers. In summary, this variant meets our criteria to be classified as pathogenic for BRCA2-associted cancers in an autos omal dominant manner based upon the predicted impact to the protein.

Juno Genomics, Hangzhou Juno Genomics, Inc
Classification: Pathogenic for Breast-ovarian cancer, familial, susceptibility to, 2. Review status: criteria provided, single submitter. Criteria: ACMG Guidelines, 2015. Collection method: clinical testing. Allele origin: germline. Not counted in ClinVar's aggregate classification.
Comment: Absent from controls (or at extremely low frequency if recessive) in Genome Aggregation Database.;Null variant in a gene where loss of function (LOF) is a known mechanism of disease.;Novel missense change at an amino acid residue where a different missense change determined to be pathogenic has been seen before.;The prevalence of the variant in affected individuals is significantly increased compared to the prevalence in controls.

Literature cited by the submitters: PubMed 24156927 (cited by Laboratory for Molecular Medicine, Mass General Brigham Personalized Medicine); PubMed 15131399 (cited by Laboratory for Molecular Medicine, Mass General Brigham Personalized Medicine).

NM_000059.4(BRCA2):c.1832C>G (p.Ser611Ter)

Gene: BRCA2 (BRCA2 DNA repair associated; plus strand). Cytogenetic location: 13q13.1.
Variant type: single nucleotide variant.
Coding change: c.1832C>G on transcript NM_000059.4 (MANE Select); coding-DNA position 1832, C replaced by G.
Protein change: p.Ser611Ter; replaces serine 611 with a stop codon.
Molecular consequence: nonsense.
Genome position (GRCh38, 1-based): chr13:32,333,310, C>G. VCF-style: chr13-32333310-C-G. GRCh37 (hg19) VCF-style: chr13-32907447-C-G.
Other names: 2060C>G (S611X); short protein forms S611*.
Identifiers: ClinVar variation 228323 (VCV000228323.15), dbSNP rs80358474, ClinGen allele CA501226.